The following is an entry in ClinVar:

NM_002693.3(POLG):c.830A>G (p.His277Arg)

Gene: POLG (DNA polymerase gamma, catalytic subunit; minus strand). Cytogenetic location: 15q26.1.
Variant type: single nucleotide variant.
Coding change: c.830A>G on transcript NM_002693.3 (MANE Select); coding-DNA position 830, A replaced by G.
Protein change: p.His277Arg; replaces histidine 277 with arginine.
Molecular consequence: missense variant.
Genome position (GRCh38, 1-based): chr15:89,330,106, T>C on the plus strand (A>G on the coding strand, the complement: POLG is on the minus strand). VCF-style: chr15-89330106-T-C. GRCh37 (hg19) VCF-style: chr15-89873337-T-C.
Other names: c.830A>G, p.His277Arg (NM_001126131.2); short protein forms H277R.
Identifiers: ClinVar variation 950548 (VCV000950548.14), dbSNP rs138929605, ClinGen allele CA7725036.
Genomic context (GRCh38, chr15:89,330,106, plus strand): 5'-ATGCCAGAACCTGCAGTTGGCCCCAGGAACCTTACCTGGATCAGGTACTGCTCCCTGATA[T>C]GAGCTCGGTCAAAGGAAACATTGTGCCCCACCACTAACTGCTCCTGCCAGTCTCTCTGGG-3'
Protein context (NP_002684.1, residues 267-287): VGHNVSFDRA[His277Arg]IREQYLIQGS

ClinVar aggregate classification (germline): Uncertain significance. Review status: criteria provided, multiple submitters, no conflicts (2 of 4 stars). 4 submissions from 4 submitters: Uncertain significance (4). Last evaluated 2026-03-12.

Conditions:
Inborn genetic diseases. Identifiers: MedGen C0950123, MeSH D030342.
Progressive sclerosing poliodystrophy (MTDPS4A). Also called: Alpers Syndrome; Mitochondrial DNA depletion syndrome 4A (Alpers type); Alpers-Huttenlocher Syndrome (AHS); ALPERS PROGRESSIVE INFANTILE POLIODYSTROPHY; ALPERS DIFFUSE DEGENERATION OF CEREBRAL GRAY MATTER WITH HEPATIC CIRRHOSIS; Alpers-Huttenlocher Syndrome. Identifiers: Orphanet 726, MedGen C0205710, MONDO:0008758, OMIM 203700.
POLG-related disorder. Also called: POLG-Related Spectrum Disorders; POLG-related condition; POLG-Related Disorders. Identifiers: MedGen C4763519.

Allele frequency attached by ClinVar (database versions not stated): TOPMed 0.00001.
gnomAD v4.1: 7 of 1,614,000 alleles (0.00043%); highest among the groups gnomAD compares: Admixed American, 0.005%; no homozygotes.

Submissions (4):

GeneDx
Classification: Uncertain significance. Last evaluated: 2026-03-12. Review status: criteria provided, single submitter. Criteria: GeneDx Variant Classification Process June 2021. Collection method: clinical testing. Allele origin: germline.
Comment: Not observed at significant frequency in large population cohorts (gnomAD); In silico analysis suggests that this missense variant does not alter protein structure/function; Has not been previously published as pathogenic or benign to our knowledge

PreventionGenetics, part of Exact Sciences
Classification: Uncertain significance for POLG-related condition. Last evaluated: 2025-02-26. Review status: criteria provided, single submitter. Criteria: ACMG Guidelines, 2015. Collection method: clinical testing. Allele origin: germline.
Comment: The POLG c.830A>G variant is predicted to result in the amino acid substitution p.His277Arg. To our knowledge, this variant has not been reported in the literature. This variant is reported in 0.011% of alleles in individuals of Latino descent in gnomAD. At this time, the clinical significance of this variant is uncertain due to the absence of conclusive functional and genetic evidence.

Labcorp Genetics (formerly Invitae), Labcorp
Classification: Uncertain significance for Progressive sclerosing poliodystrophy. Last evaluated: 2023-12-17. Review status: criteria provided, single submitter. Criteria: Invitae Variant Classification Sherloc (09022015). Collection method: clinical testing. Allele origin: germline.
Comment: This sequence change replaces histidine, which is basic and polar, with arginine, which is basic and polar, at codon 277 of the POLG protein (p.His277Arg). The frequency data for this variant in the population databases is considered unreliable, as metrics indicate poor data quality at this position in the gnomAD database. This variant has not been reported in the literature in individuals affected with POLG-related conditions. ClinVar contains an entry for this variant (Variation ID: 950548). Advanced modeling of protein sequence and biophysical properties (such as structural, functional, and spatial information, amino acid conservation, physicochemical variation, residue mobility, and thermodynamic stability) performed at Invitae indicates that this missense variant is not expected to disrupt POLG protein function with a negative predictive value of 95%. This variant disrupts the p.His277 amino acid residue in POLG. Other variant(s) that disrupt this residue have been determined to be pathogenic (PMID: 18487244, 21301859, 21880868, 22357363). This suggests that this residue is clinically significant, and that variants that disrupt this residue are likely to be disease-causing. In summary, the available evidence is currently insufficient to determine the role of this variant in disease. Therefore, it has been classified as a Variant of Uncertain Significance.

Ambry Genetics
Classification: Uncertain significance for Inborn genetic diseases. Last evaluated: 2018-09-29. Review status: criteria provided, single submitter. Criteria: Ambry Variant Classification Scheme 2023. Collection method: clinical testing. Allele origin: germline.
Comment: The p.H277R variant (also known as c.830A>G), located in coding exon 2 of the POLG gene, results from an A to G substitution at nucleotide position 830. The histidine at codon 277 is replaced by arginine, an amino acid with highly similar properties. This amino acid position is well conserved in available vertebrate species. In addition, the in silico prediction for this alteration is inconclusive. Since supporting evidence is limited at this time, the clinical significance of this alteration remains unclear.

Literature cited by the submitters: PubMed 18487244 (cited by Labcorp Genetics (formerly Invitae), Labcorp); PubMed 21301859 (cited by Labcorp Genetics (formerly Invitae), Labcorp); PubMed 21880868 (cited by Labcorp Genetics (formerly Invitae), Labcorp); PubMed 22357363 (cited by Labcorp Genetics (formerly Invitae), Labcorp).